The following is an entry in ClinVar:

ClinVar aggregate classification (germline): Uncertain significance (1 of 4 stars; one submission).

Submission:

Labcorp Genetics (formerly Invitae), Labcorp
Classification: Uncertain significance. Last evaluated: 2021-09-03. Review status: criteria provided, single submitter. Criteria: Invitae Variant Classification Sherloc (09022015). Collection method: clinical testing. Allele origin: germline.
Comment: This sequence change replaces arginine with glycine at codon 191 of the IDH3B protein (p.Arg191Gly). The arginine residue is highly conserved and there is a moderate physicochemical difference between arginine and glycine. This variant is not present in population databases (ExAC no frequency). This variant has not been reported in the literature in individuals affected with IDH3B-related conditions. Algorithms developed to predict the effect of missense changes on protein structure and function are either unavailable or do not agree on the potential impact of this missense change (SIFT: "Not Available"; PolyPhen-2: "Possibly Damaging"; Align-GVGD: "Not Available"). In summary, the available evidence is currently insufficient to determine the role of this variant in disease. Therefore, it has been classified as a Variant of Uncertain Significance.

NM_006899.5(IDH3B):c.571C>G (p.Arg191Gly)

Gene: IDH3B (isocitrate dehydrogenase (NAD(+)) 3 non-catalytic subunit beta; minus strand). Cytogenetic location: 20p13.
Variant type: single nucleotide variant.
Coding change: c.571C>G on transcript NM_006899.5 (MANE Select); coding-DNA position 571, C replaced by G.
Protein change: p.Arg191Gly; replaces arginine 191 with glycine.
Molecular consequence: missense variant. On other transcripts: non-coding transcript variant (1).
Genome position (GRCh38, 1-based): chr20:2,660,551, G>C on the plus strand (C>G on the coding strand, the complement: IDH3B is on the minus strand). VCF-style: chr20-2660551-G-C. GRCh37 (hg19) VCF-style: chr20-2641197-G-C.
Other names: c.571C>G, p.Arg191Gly (NM_001258384.3, NM_001330763.2, NM_174855.4); short protein forms R191G.
Identifiers: ClinVar variation 1350838 (VCV001350838.6), dbSNP rs755960696, ClinGen allele CA408037726.